The following is an entry in ClinVar:

ClinVar aggregate classification (germline): Uncertain significance (1 of 4 stars; one submission).

Conditions:
Inborn genetic diseases. Identifiers: MedGen C0950123, MeSH D030342.

Submission:

Ambry Genetics
Classification: Uncertain significance for Inborn genetic diseases. Last evaluated: 2025-12-11. Review status: criteria provided, single submitter. Criteria: Ambry Variant Classification Scheme 2023. Collection method: clinical testing. Allele origin: germline.
Comment: The p.C30S variant (also known as c.89G>C), located in coding exon 1 of the SH2B3 gene, results from a G to C substitution at nucleotide position 89. The cysteine at codon 30 is replaced by serine, an amino acid with dissimilar properties. This amino acid position is conserved. In addition, this alteration is predicted to be deleterious by in silico analysis. Based on the available evidence, the clinical significance of this variant remains unclear.

NM_005475.3(SH2B3):c.89G>C (p.Cys30Ser)

Gene: SH2B3 (SH2B adaptor protein 3; plus strand). Cytogenetic location: 12q24.12.
Variant type: single nucleotide variant.
Coding change: c.89G>C on transcript NM_005475.3 (MANE Select); coding-DNA position 89, G replaced by C.
Protein change: p.Cys30Ser; replaces cysteine 30 with serine.
Molecular consequence: missense variant.
Genome position (GRCh38, 1-based): chr12:111,418,234, G>C. VCF-style: chr12-111418234-G-C. GRCh37 (hg19) VCF-style: chr12-111856038-G-C.
Other names: short protein forms C30S.
Identifiers: ClinVar variation 4630785 (VCV004630785.1).
Genomic context (GRCh38, chr12:111,418,234, plus strand): 5'-CGCCCTCTTCCGCGCCCTCAGCCTCCCCGGCGGCGGCCCCGCGGGGCTGGAGCGAGTTCT[G>C]TGAGTTGCACGCCGTAGCGGCGGCCCGGGAGCTGGCCCGCCAGTACTGGCTGTTCGCCCG-3'
Protein context (NP_005466.1, residues 20-40): AAAPRGWSEF[Cys30Ser]ELHAVAAARE